The following is an entry in ClinVar:

ClinVar aggregate classification (germline): Uncertain significance. Review status: criteria provided, multiple submitters, no conflicts (2 of 4 stars). 3 submissions from 3 submitters: Uncertain significance (3). Last evaluated 2024-02-19.

Conditions:
SMOKING AS A QUANTITATIVE TRAIT LOCUS 3 (SQTL3). Identifiers: MedGen C3150168, OMIM 612052.
Urinary bladder, atony of. Also called: Bladder Dysfunction with Impaired Pupillary Reflex and Secondary Congenital Anomalies of the Kidney and Urinary Tract. Identifiers: MedGen C5231389, MONDO:0008630, OMIM 191800.
Inborn genetic diseases. Identifiers: MedGen C0950123, MeSH D030342.

Allele frequency attached by ClinVar (database versions not stated): gnomAD 0.00002.
gnomAD v4.1: 7 of 1,614,038 alleles (0.00043%); highest among the groups gnomAD compares: East Asian, 0.0067%; no homozygotes.

Submissions (3):

Fulgent Genetics
Classification: Uncertain significance for Urinary bladder, atony of; SMOKING AS A QUANTITATIVE TRAIT LOCUS 3. Last evaluated: 2024-02-19. Review status: criteria provided, single submitter. Criteria: ACMG Guidelines, 2015. Collection method: clinical testing. Allele origin: germline.

Ambry Genetics
Classification: Uncertain significance for Inborn genetic diseases. Last evaluated: 2023-05-18. Review status: criteria provided, single submitter. Criteria: Ambry Variant Classification Scheme 2023. Collection method: clinical testing. Allele origin: germline.

Labcorp Genetics (formerly Invitae), Labcorp
Classification: Uncertain significance. Last evaluated: 2022-06-19. Review status: criteria provided, single submitter. Criteria: Invitae Variant Classification Sherloc (09022015). Collection method: clinical testing. Allele origin: germline.
Comment: Algorithms developed to predict the effect of missense changes on protein structure and function output the following: SIFT: "Tolerated"; PolyPhen-2: "Benign"; Align-GVGD: "Class C0". The lysine amino acid residue is found in multiple mammalian species, which suggests that this missense change does not adversely affect protein function. In summary, the available evidence is currently insufficient to determine the role of this variant in disease. Therefore, it has been classified as a Variant of Uncertain Significance. This variant has not been reported in the literature in individuals affected with CHRNA3-related conditions. This variant is present in population databases (rs79115483, gnomAD 0.02%). This sequence change replaces threonine, which is neutral and polar, with lysine, which is basic and polar, at codon 334 of the CHRNA3 protein (p.Thr334Lys).

NM_000743.5(CHRNA3):c.1001C>A (p.Thr334Lys)

Gene: CHRNA3 (cholinergic receptor nicotinic alpha 3 subunit; minus strand). Cytogenetic location: 15q25.1.
Variant type: single nucleotide variant.
Coding change: c.1001C>A on transcript NM_000743.5 (MANE Select); coding-DNA position 1001, C replaced by A.
Protein change: p.Thr334Lys; replaces threonine 334 with lysine.
Molecular consequence: missense variant. On other transcripts: non-coding transcript variant (1).
Genome position (GRCh38, 1-based): chr15:78,601,641, G>T on the plus strand (C>A on the coding strand, the complement: CHRNA3 is on the minus strand). VCF-style: chr15-78601641-G-T. GRCh37 (hg19) VCF-style: chr15-78893983-G-T.
Other names: c.1001C>A, p.Thr334Lys (NM_001166694.2); c.1001C>A (NM_000743.4); short protein forms T334K.
Identifiers: ClinVar variation 2142927 (VCV002142927.7), dbSNP rs79115483, ClinGen allele CA7684366.